The following is an entry in ClinVar:

NM_148960.3(CLDN19):c.241C>T (p.Arg81Trp)

Gene: CLDN19 (claudin 19; minus strand). Cytogenetic location: 1p34.2.
Variant type: single nucleotide variant.
Coding change: c.241C>T on transcript NM_148960.3 (MANE Select); coding-DNA position 241, C replaced by T.
Protein change: p.Arg81Trp; replaces arginine 81 with tryptophan.
Molecular consequence: missense variant.
Genome position (GRCh38, 1-based): chr1:42,738,568, G>A on the plus strand (C>T on the coding strand, the complement: CLDN19 is on the minus strand). VCF-style: chr1-42738568-G-A. GRCh37 (hg19) VCF-style: chr1-43204239-G-A.
Other names: c.241C>T, p.Arg81Trp (NM_001123395.2, NM_001185117.2); short protein forms R81W.
Identifiers: ClinVar variation 3384048 (VCV003384048.1).

ClinVar aggregate classification (germline): Likely pathogenic (1 of 4 stars; one submission).

Conditions:
Renal hypomagnesemia 5 with ocular involvement. Also called: FHHNC WITH SEVERE OCULAR INVOLVEMENT; HYPOMAGNESEMIA, FAMILIAL, WITH HYPERCALCIURIA, NEPHROCALCINOSIS, AND SEVERE OCULAR INVOLVEMENT; MACULAR COLOBOMA, BILATERAL, WITH HYPERCALCIURIA; HYPOMAGNESEMIA 5, RENAL, WITH OR WITHOUT OCULAR INVOLVEMENT. Identifiers: Orphanet 2196, MedGen C4721891, MONDO:0009548, OMIM 248190.

gnomAD v4.1: 4 of 1,613,758 alleles (0.00025%); highest among the groups gnomAD compares: Non-Finnish European, 0.00034%; no homozygotes.

Submission:

Dubai Health Genomic Medicine Center, Dubai Health
Classification: Likely pathogenic for Hypomagnesemia 5, renal, with ocular involvement. Last evaluated: 2024-10-04. Review status: criteria provided, single submitter. Criteria: ACMG Guidelines, 2015. Collection method: research. Allele origin: germline. Affected: yes.
Comment: PP1,PM3(moderate),PM2,PP3